The following is an entry in ClinVar:

NM_001814.6(CTSC):c.1293C>T (p.Thr431=)

Gene: CTSC (cathepsin C; minus strand). Cytogenetic location: 11q14.2.
Variant type: single nucleotide variant.
Coding change: c.1293C>T on transcript NM_001814.6 (MANE Select); coding-DNA position 1293, C replaced by T.
Protein change: p.Thr431=; no amino-acid change (threonine 431 retained).
Molecular consequence: synonymous variant.
Genome position (GRCh38, 1-based): chr11:88,294,105, G>A on the plus strand (C>T on the coding strand, the complement: CTSC is on the minus strand). VCF-style: chr11-88294105-G-A. GRCh37 (hg19) VCF-style: chr11-88027273-G-A.
Identifiers: ClinVar variation 757009 (VCV000757009.35), dbSNP rs371808747, ClinGen allele CA6219738.
Genomic context (GRCh38, chr11:88,294,105, plus strand): 5'-CTCAATTGCACACTCATCAGTTCCTCTGCGGATCCGGAAGTAGCCATTCTCACCCCAGCC[G>A]GTGCCCCAGCTGTTTTTAACAATCCAGTAATCCATCCCAGAGGCTGAGTCAGTGCCATAG-3'
Protein context (NP_001805.4, residues 421-441): DYWIVKNSWG[Thr431=]GWGENGYFRI

ClinVar aggregate classification (germline): Benign/Likely benign. Review status: criteria provided, multiple submitters, no conflicts (2 of 4 stars). 3 submissions from 3 submitters: Benign (1); Likely benign (2). Last evaluated 2025-03-06.

Conditions:
Papillon-Lefèvre syndrome (PALS). Also called: Papillon-Lefevre Disease; KERATOSIS PALMOPLANTARIS WITH PERIODONTOPATHIA. Identifiers: Orphanet 678, MedGen C0030360, MONDO:0009490, OMIM 245000.
Haim-Munk syndrome (HMS). Also called: COCHIN JEWISH DISORDER; KERATOSIS PALMOPLANTARIS WITH PERIODONTOPATHIA AND ONYCHOGRYPOSIS. Identifiers: Orphanet 2342, MedGen C1855627, MONDO:0009491, OMIM 245010.
Periodontitis, aggressive. Identifiers: MedGen C0031106, MONDO:0980757.

Allele frequency attached by ClinVar (database versions not stated): ExAC 0.00020; gnomAD 0.00005 and 0.00010; TOPMed 0.00006; ESP Exome Variant Server 0.00008; gnomAD exomes 0.00009 and 0.00013.
gnomAD v4.1: 147 of 1,613,754 alleles (0.0091%); highest among the groups gnomAD compares: South Asian, 0.066%; 3 homozygotes.

Submissions (3):

Labcorp Genetics (formerly Invitae), Labcorp
Classification: Benign for Haim-Munk syndrome; Periodontitis, aggressive; Papillon-Lefèvre syndrome. Last evaluated: 2025-03-06. Review status: criteria provided, single submitter. Criteria: Invitae Variant Classification Sherloc (09022015). Collection method: clinical testing. Allele origin: germline.

Blueprint Genetics
Classification: Likely benign. Last evaluated: 2024-11-13. Review status: criteria provided, single submitter. Criteria: ACMG Guidelines, 2015. Collection method: clinical testing. Allele origin: germline.

CeGaT Center for Human Genetics Tuebingen
Classification: Likely benign. Last evaluated: 2022-08-01. Review status: criteria provided, single submitter. Criteria: CeGaT Center For Human Genetics Tuebingen Variant Classification Criteria Version 2. Collection method: clinical testing. Allele origin: germline. Affected: yes. Observed: 1 variant allele.
Comment: CTSC: BP4, BP7